The following is an entry in ClinVar:

NM_002437.5(MPV17):c.468C>G (p.Ala156=)

Gene: MPV17 (mitochondrial inner membrane protein MPV17; minus strand). Cytogenetic location: 2p23.3.
Variant type: single nucleotide variant.
Coding change: c.468C>G on transcript NM_002437.5 (MANE Select); coding-DNA position 468, C replaced by G.
Protein change: p.Ala156=; no amino-acid change (alanine 156 retained).
Molecular consequence: synonymous variant.
Genome position (GRCh38, 1-based): chr2:27,309,975, G>C on the plus strand (C>G on the coding strand, the complement: MPV17 is on the minus strand). VCF-style: chr2-27309975-G-C. GRCh37 (hg19) VCF-style: chr2-27532843-G-C.
Identifiers: ClinVar variation 3051627 (VCV003051627.2), dbSNP rs762630909, ClinGen allele CA346205536.

ClinVar aggregate classification (germline): Likely benign (0 of 4 stars; one submission).

Conditions:
MPV17-related disorder. Also called: MPV17-related disorders; MPV17-related condition. Identifiers: MedGen CN239328.

Submission:

PreventionGenetics, part of Exact Sciences
Classification: Likely benign for MPV17-related condition. Last evaluated: 2022-03-29. Review status: no assertion criteria provided. Collection method: clinical testing. Allele origin: germline.
Comment: This variant is classified as likely benign based on ACMG/AMP sequence variant interpretation guidelines (Richards et al. 2015 PMID: 25741868, with internal and published modifications).